The following is an entry in ClinVar:

ClinVar aggregate classification (germline): Pathogenic/Likely pathogenic. Review status: criteria provided, multiple submitters, no conflicts (2 of 4 stars). 12 submissions from 12 submitters: Pathogenic (8); Likely pathogenic (3). 1 of the submissions does not count toward it. Last evaluated 2026-01-27.

Conditions:
AGXT-related disorder. Also called: AGXT-related condition.
Primary hyperoxaluria. Identifiers: Orphanet 416, MedGen C0020501, MONDO:0002474.
Primary hyperoxaluria, type I (HP1). Also called: GLYCOLIC ACIDURIA; HEPATIC AGT DEFICIENCY; OXALOSIS I; Primary hyperoxaluria type 1. Identifiers: Orphanet 416, Orphanet 93598, MedGen C0268164, MONDO:0009823, OMIM 259900. Disease mechanism: loss of function.

Allele frequency attached by ClinVar (database versions not stated): gnomAD exomes 0.00001; ExAC 0.00002; TOPMed 0.00001; ESP Exome Variant Server 0.00008.

Submissions (12):

Labcorp Genetics (formerly Invitae), Labcorp
Classification: Pathogenic. Last evaluated: 2026-01-27. Review status: criteria provided, single submitter. Criteria: Invitae Variant Classification Sherloc (09022015). Collection method: clinical testing. Allele origin: germline.
Comment: This sequence change replaces arginine, which is basic and polar, with histidine, which is basic and polar, at codon 36 of the AGXT protein (p.Arg36His). This variant is present in population databases (rs180177162, gnomAD 0.003%). This missense change has been observed in individual(s) with AGXT-related conditions (PMID: 30341509). In at least one individual the data is consistent with being in trans (on the opposite chromosome) from a pathogenic variant. ClinVar contains an entry for this variant (Variation ID: 204072). Invitae Evidence Modeling of protein sequence and biophysical properties (such as structural, functional, and spatial information, amino acid conservation, physicochemical variation, residue mobility, and thermodynamic stability) indicates that this missense variant is expected to disrupt AGXT protein function with a positive predictive value of 80%. Experimental studies have shown that this missense change affects AGXT function (PMID: 19479957, 29110180, 30341509). This variant disrupts the p.Arg36 amino acid residue in AGXT. Other variant(s) that disrupt this residue have been determined to be pathogenic (PMID: 15356974, 17495019, 22923379, 24718375, 24988064). This suggests that this residue is clinically significant, and that variants that disrupt this residue are likely to be disease-causing. For these reasons, this variant has been classified as Pathogenic.

Natera, Inc.
Classification: Pathogenic for Primary hyperoxaluria type I. Last evaluated: 2026-01-08. Review status: criteria provided, single submitter. Criteria: Natera Variant Classification Schema (03/2026). Collection method: clinical testing. Allele origin: germline.
Comment: The c.107G>A variant in AGXT is a missense variant predicted to cause substitution of arginine to histidine at amino acid 36. This variant is rare in the general population with a frequency below the threshold expected for the associated phenotype(s). This variant has been observed in one or more individuals affected with the associated recessive disease, as either homozygous or compound heterozygous with a second variant (PMID: 30341509, 37139236, 38312792, 35678848). Functional studies show that this variant may disrupt protein function (PMID: 30341509). A different variant at the same position has been determined to be Pathogenic or Likely Pathogenic. Computational prediction algorithms indicate this variant is likely to affect gene or protein function. Given the available evidence, this variant is classified as Pathogenic.

Women's Health and Genetics/Laboratory Corporation of America, LabCorp
Classification: Pathogenic for Primary hyperoxaluria. Last evaluated: 2025-12-02. Review status: criteria provided, single submitter. Criteria: LabCorp Variant Classification Summary - May 2015. Collection method: clinical testing. Allele origin: germline.
Comment: Variant summary: AGXT c.107G>A (p.Arg36His) results in a non-conservative amino acid change in the encoded protein sequence. Algorithms developed to predict the effect of missense changes on protein structure and function all suggest that this variant is likely to be disruptive. The variant allele was found at a frequency of 1.2e-05 in 247838 control chromosomes. c.107G>A has been observed in individual(s) affected with AGXT-related conditions (example: Du_2018). At least one publication reports experimental evidence evaluating an impact on protein function. The most pronounced variant effect results in <10% of normal activity (Williams_2009). Other variant(s) that disrupt this residue have been determined to be pathogenic (Variation ID: 188957). The following publications have been ascertained in the context of this evaluation (PMID: 30341509, 19479957). ClinVar contains an entry for this variant (Variation ID: 204072). Based on the evidence outlined above, the variant was classified as pathogenic.

CeGaT Center for Human Genetics Tuebingen
Classification: Pathogenic. Last evaluated: 2024-09-01. Review status: criteria provided, single submitter. Criteria: CeGaT Center For Human Genetics Tuebingen Variant Classification Criteria Version 2. Collection method: clinical testing. Allele origin: germline. Affected: yes. Observed: 2 variant alleles.
Comment: AGXT: PM3:Strong, PM2, PM5, PP4, PS3:Supporting

GeneDx
Classification: Likely pathogenic. Last evaluated: 2024-03-27. Review status: criteria provided, single submitter. Criteria: GeneDx Variant Classification Process June 2021. Collection method: clinical testing. Allele origin: germline. Affected: yes.
Comment: Not observed at significant frequency in large population cohorts (gnomAD); In silico analysis supports that this missense variant has a deleterious effect on protein structure/function; This variant is associated with the following publications: (PMID: 34426522, 31589614, 30341509, 19479957, 34493867, 37464296, 36185032, 15356974, 17495019, 24988064, 37139236, 29110180)

Fulgent Genetics
Classification: Pathogenic for Primary hyperoxaluria, type I. Last evaluated: 2024-02-14. Review status: criteria provided, single submitter. Criteria: ACMG Guidelines, 2015. Collection method: clinical testing. Allele origin: germline.

Blueprint Genetics
Classification: Pathogenic for AGXT-related disorders. Last evaluated: 2023-12-19. Review status: criteria provided, single submitter. Criteria: ACMG Guidelines, 2015. Collection method: clinical testing. Allele origin: germline. Affected: yes. Observed: 3 variant alleles.

Revvity Omics, Revvity
Classification: Likely pathogenic for Primary hyperoxaluria, type I. Last evaluated: 2021-11-12. Review status: criteria provided, single submitter. Criteria: ACMG Guidelines, 2015. Collection method: clinical testing. Allele origin: germline.

Mendelics
Classification: Pathogenic for Primary hyperoxaluria, type I. Last evaluated: 2019-05-28. Review status: criteria provided, single submitter. Criteria: Mendelics Assertion Criteria 2017. Collection method: clinical testing. Allele origin: unknown.

Arcensus
Classification: Likely pathogenic for Primary hyperoxaluria, type I. Last evaluated: 2013-02-01. Review status: criteria provided, single submitter. Criteria: ACMG Guidelines, 2015. Collection method: clinical testing. Allele origin: germline. Affected: yes.

Kariminejad - Najmabadi Pathology & Genetics Center
Classification: Pathogenic for Primary hyperoxaluria, type I. Review status: criteria provided, single submitter. Criteria: ACMG Guidelines, 2015. Collection method: clinical testing. Allele origin: germline. Affected: no.

Clinical Biochemistry Laboratory, Health Services Laboratory
Classification: Pathogenic for Primary hyperoxaluria, type I. Last evaluated: 2014-11-27. Review status: no assertion criteria provided. Collection method: in vitro. Allele origin: germline. Affected: yes. Not counted in ClinVar's aggregate classification.

Literature cited by the submitters: PubMed 30341509 (cited by 3 submitters); PubMed 19479957 (cited by 3 submitters); PubMed 29110180 (cited by Labcorp Genetics (formerly Invitae), Labcorp); PubMed 15356974 (cited by Labcorp Genetics (formerly Invitae), Labcorp); PubMed 17495019 (cited by Labcorp Genetics (formerly Invitae), Labcorp); PubMed 22923379 (cited by Labcorp Genetics (formerly Invitae), Labcorp); PubMed 24718375 (cited by Labcorp Genetics (formerly Invitae), Labcorp); PubMed 24988064 (cited by Labcorp Genetics (formerly Invitae), Labcorp); PubMed 37139236 (cited by Natera, Inc.); PubMed 38312792 (cited by Natera, Inc.); PubMed 35678848 (cited by Natera, Inc.).

NM_000030.3(AGXT):c.107G>A (p.Arg36His)

Gene: AGXT (alanine--glyoxylate aminotransferase; plus strand). Cytogenetic location: 2q37.3.
Variant type: single nucleotide variant.
Coding change: c.107G>A on transcript NM_000030.3 (MANE Select); coding-DNA position 107, G replaced by A.
Protein change: p.Arg36His; replaces arginine 36 with histidine.
Molecular consequence: missense variant.
Genome position (GRCh38, 1-based): chr2:240,868,972, G>A. VCF-style: chr2-240868972-G-A. GRCh37 (hg19) VCF-style: chr2-241808389-G-A.
Other names: short protein forms R36H.
Identifiers: ClinVar variation 204072 (VCV000204072.56), dbSNP rs180177162, ClinGen allele CA275627.